The following is an entry in ClinVar:

ClinVar aggregate classification (germline): Uncertain significance. Review status: criteria provided, multiple submitters, no conflicts (2 of 4 stars). 2 submissions from 2 submitters: Uncertain significance (2). Last evaluated 2025-06-17.

Allele frequency attached by ClinVar (database versions not stated): gnomAD exomes 0.00001 and 0.00002; gnomAD 0.00002; TOPMed 0.00002.
gnomAD v4.1: 17 of 1,606,504 alleles (0.0011%); highest among the groups gnomAD compares: Admixed American, 0.0017%; no homozygotes.

Submissions (2):

Women's Health and Genetics/Laboratory Corporation of America, LabCorp
Classification: Uncertain significance. Last evaluated: 2025-06-17. Review status: criteria provided, single submitter. Criteria: LabCorp Variant Classification Summary - May 2015. Collection method: clinical testing. Allele origin: germline.
Comment: Variant summary: CAMTA1 c.4946G>A (p.Arg1649His) results in a non-conservative amino acid change in the encoded protein sequence. Algorithms developed to predict the effect of missense changes on protein structure and function are either unavailable or do not agree on the potential impact of this missense change. The variant allele was found at a frequency of 1.6e-05 in 242928 control chromosomes. The available data on variant occurrences in the general population are insufficient to allow any conclusion about variant significance. To our knowledge, no occurrence of c.4946G>A in individuals affected with Cerebellar Dysfunction With Variable Cognitive And Behavioral Abnormalities and no experimental evidence demonstrating its impact on protein function have been reported. ClinVar contains an entry for this variant (Variation ID: 1675341). Based on the evidence outlined above, the variant was classified as uncertain significance.

CeGaT Center for Human Genetics Tuebingen
Classification: Uncertain significance. Last evaluated: 2022-02-01. Review status: criteria provided, single submitter. Criteria: CeGaT Center For Human Genetics Tuebingen Variant Classification Criteria Version 2. Collection method: clinical testing. Allele origin: germline. Affected: yes. Observed: 1 variant allele.

NM_015215.4(CAMTA1):c.4946G>A (p.Arg1649His)

Gene: CAMTA1 (calmodulin binding transcription activator 1; plus strand). Cytogenetic location: 1p36.23.
Variant type: single nucleotide variant.
Coding change: c.4946G>A on transcript NM_015215.4 (MANE Select); coding-DNA position 4946, G replaced by A.
Protein change: p.Arg1649His; replaces arginine 1649 with histidine.
Molecular consequence: missense variant.
Genome position (GRCh38, 1-based): chr1:7,752,521, G>A. VCF-style: chr1-7752521-G-A. GRCh37 (hg19) VCF-style: chr1-7812581-G-A.
Other names: c.4856G>A, p.Arg1619His (NM_001349608.2); c.4628G>A, p.Arg1543His (NM_001349609.2); c.4622G>A, p.Arg1541His (NM_001349610.2); c.4538G>A, p.Arg1513His (NM_001349612.2); c.2075G>A, p.Arg692His (NM_001349613.1); c.2039G>A, p.Arg680His (NM_001349614.1, NM_001349615.2, NM_001349616.2); c.2018G>A, p.Arg673His (NM_001349617.1, NM_001349618.2); c.1700G>A, p.Arg567His (NM_001349619.2, NM_001349620.1, NM_001349621.1 and 1 more transcripts); and 1 more; short protein forms R1513H, R1541H, R1543H, R1619H, R1649H, R560H, R567H, R673H.
Identifiers: ClinVar variation 1675341 (VCV001675341.34), dbSNP rs979947542, ClinGen allele CA17241567.
Genomic context (GRCh38, chr1:7,752,521, plus strand): 5'-GCAGTTTGCTAACCAAAAAGCAGGATCAAGCTGCTCGAAAAATAATGAGGTTTCTTCGCC[G>A]CTGTCGCCACAGGTACACTAGTCCTTGTTTATACATTCTGCTCAGGGAGAATGATGAAGC-3'
Protein context (NP_056030.1, residues 1639-1659): AARKIMRFLR[Arg1649His]CRHSPLVDHR